The following is an entry in ClinVar:

ClinVar aggregate classification (germline): Uncertain significance (1 of 4 stars; one submission).

Submission:

Labcorp Genetics (formerly Invitae), Labcorp
Classification: Uncertain significance. Last evaluated: 2025-05-06. Review status: criteria provided, single submitter. Criteria: Invitae Variant Classification Sherloc (09022015). Collection method: clinical testing. Allele origin: germline.
Comment: This sequence change replaces arginine, which is basic and polar, with histidine, which is basic and polar, at codon 63 of the RPSA protein (p.Arg63His). This variant is not present in population databases (gnomAD no frequency). This variant has not been reported in the literature in individuals affected with RPSA-related conditions. Invitae Evidence Modeling of protein sequence and biophysical properties (such as structural, functional, and spatial information, amino acid conservation, physicochemical variation, residue mobility, and thermodynamic stability) indicates that this missense variant is not expected to disrupt RPSA protein function with a negative predictive value of 80%. In summary, the available evidence is currently insufficient to determine the role of this variant in disease. Therefore, it has been classified as a Variant of Uncertain Significance.

NM_002295.6(RPSA):c.188G>A (p.Arg63His)

Gene: RPSA (ribosomal protein SA; plus strand). Cytogenetic location: 3p22.1.
Variant type: single nucleotide variant.
Coding change: c.188G>A on transcript NM_002295.6 (MANE Select); coding-DNA position 188, G replaced by A.
Protein change: p.Arg63His; replaces arginine 63 with histidine.
Molecular consequence: missense variant.
Genome position (GRCh38, 1-based): chr3:39,408,660, G>A. VCF-style: chr3-39408660-G-A. GRCh37 (hg19) VCF-style: chr3-39450151-G-A.
Other names: c.188G>A, p.Arg63His (NM_001304288.2); short protein forms R63H.
Identifiers: ClinVar variation 4771564 (VCV004771564.1).
Genomic context (GRCh38, chr3:39,408,660, plus strand): 5'-ACTTAGGCATCTATATCATAAATCTCAAGAGGACCTGGGAGAAGCTTCTGCTGGCAGCTC[G>A]TGCAATTGTTGCCATTGAAAACCCTGCTGATGTCAGTGTTATATCCTCCAGGAATACTGG-3'
Protein context (NP_002286.2, residues 53-73): RTWEKLLLAA[Arg63His]AIVAIENPAD